The following is an entry in ClinVar:

ClinVar aggregate classification (germline): Uncertain significance (1 of 4 stars; one submission).

Submission:

Women's Health and Genetics/Laboratory Corporation of America, LabCorp
Classification: Uncertain significance. Last evaluated: 2024-10-18. Review status: criteria provided, single submitter. Criteria: LabCorp Variant Classification Summary - May 2015. Collection method: clinical testing. Allele origin: germline.
Comment: Variant summary: NIPAL4 c.344G>T (p.Gly115Val) results in a non-conservative amino acid change in the encoded protein sequence. Five of five in-silico tools predict a damaging effect of the variant on protein function. The frequency data for this variant in gnomAD is considered unreliable, as metrics indicate poor data quality at this position. c.344G>T has been reported in the literature in the compound heterozygous state in individuals affected with Ichthyosis (Simpson_2020). These data indicate that the variant may be associated with disease. To our knowledge, no experimental evidence demonstrating an impact on protein function has been reported. This variant is also known as c.530G>T(p.G177V). The following publication have been ascertained in the context of this evaluation (PMID: 31168818). No submitters have cited clinical-significance assessments for this variant to ClinVar. Based on the evidence outlined above, the variant was classified as VUS-possibly pathogenic.

Literature cited by the submitters: PubMed 31168818.

NM_001099287.2(NIPAL4):c.344G>T (p.Gly115Val)

Gene: NIPAL4 (NIPA like domain containing 4; plus strand). Cytogenetic location: 5q33.3.
Variant type: single nucleotide variant.
Coding change: c.344G>T on transcript NM_001099287.2 (MANE Select); coding-DNA position 344, G replaced by T.
Protein change: p.Gly115Val; replaces glycine 115 with valine.
Molecular consequence: missense variant.
Genome position (GRCh38, 1-based): chr5:157,468,731, G>T. VCF-style: chr5-157468731-G-T. GRCh37 (hg19) VCF-style: chr5-156895739-G-T.
Other names: c.287G>T, p.Gly96Val (NM_001172292.2); short protein forms G115V, G96V.
Identifiers: ClinVar variation 3385201 (VCV003385201.1).